The following is an entry in ClinVar:

ClinVar aggregate classification (germline): Likely benign (1 of 4 stars; one submission).

Submission:

CeGaT Center for Human Genetics Tuebingen
Classification: Likely benign. Last evaluated: 2026-09-01. Review status: criteria provided, single submitter. Criteria: CeGaT Center For Human Genetics Tuebingen Variant Classification Criteria Version 2. Collection method: clinical testing. Allele origin: germline. Affected: yes. Observed: 5 variant alleles.
Comment: TRIO: PM2:Supporting, BP4, BP7

NM_007118.4(TRIO):c.6519A>T (p.Thr2173=)

Gene: TRIO (trio Rho guanine nucleotide exchange factor; plus strand). Cytogenetic location: 5p15.2.
Variant type: single nucleotide variant.
Coding change: c.6519A>T on transcript NM_007118.4 (MANE Select); coding-DNA position 6519, A replaced by T.
Protein change: p.Thr2173=; no amino-acid change (threonine 2173 retained).
Molecular consequence: synonymous variant. On other transcripts: non-coding transcript variant (1).
Genome position (GRCh38, 1-based): chr5:14,482,635, A>T. VCF-style: chr5-14482635-A-T. GRCh37 (hg19) VCF-style: chr5-14482744-A-T.
Identifiers: ClinVar variation 2578973 (VCV002578973.25), dbSNP rs2477401524, ClinGen allele CA443278527.